The following is an entry in ClinVar:

ClinVar aggregate classification (germline): Conflicting classifications of pathogenicity. Review status: criteria provided, conflicting classifications (1 of 4 stars). 2 submissions from 2 submitters: Uncertain significance (1); Likely benign (1). Last evaluated 2024-06-24.

Allele frequency attached by ClinVar (database versions not stated): gnomAD exomes 0.00001.
gnomAD v4.1: 9 of 1,612,962 alleles (0.00056%); highest among the groups gnomAD compares: African/African-American, 0.0013%; no homozygotes.

Submissions (2):

GeneDx
Classification: Uncertain significance. Last evaluated: 2024-06-24. Review status: criteria provided, single submitter. Criteria: GeneDx Variant Classification Process June 2021. Collection method: clinical testing. Allele origin: germline. Affected: yes.
Comment: Not observed at significant frequency in large population cohorts (gnomAD); Has not been previously published as pathogenic or benign to our knowledge; In silico analysis is inconclusive as to whether the variant alters gene splicing. In the absence of RNA/functional studies, the actual effect of this sequence change is unknown.

Labcorp Genetics (formerly Invitae), Labcorp
Classification: Likely benign. Last evaluated: 2023-03-01. Review status: criteria provided, single submitter. Criteria: Invitae Variant Classification Sherloc (09022015). Collection method: clinical testing. Allele origin: germline.

NM_016222.4(DDX41):c.28-5T>C

Gene: DDX41 (DEAD-box helicase 41; minus strand). Cytogenetic location: 5q35.3.
Variant type: single nucleotide variant.
Coding change: c.28-5T>C on transcript NM_016222.4 (MANE Select); 5 bases into the intron before coding-DNA position 28, T replaced by C.
Molecular consequence: intron variant.
Genome position (GRCh38, 1-based): chr5:177,516,840, A>G on the plus strand (T>C on the coding strand, the complement: DDX41 is on the minus strand). VCF-style: chr5-177516840-A-G. GRCh37 (hg19) VCF-style: chr5-176943841-A-G.
Other names: c.-420-5T>C (NM_001321830.2); c.-628-5T>C (NM_001321732.2).
Identifiers: ClinVar variation 2868560 (VCV002868560.4), dbSNP rs2532091973, ClinGen allele CA362378004.